The following is an entry in ClinVar:

ClinVar aggregate classification (germline): Uncertain significance. Review status: criteria provided, multiple submitters, no conflicts (2 of 4 stars). 2 submissions from 2 submitters: Uncertain significance (2). Last evaluated 2023-11-13.

Conditions:
Inborn genetic diseases. Identifiers: MedGen C0950123, MeSH D030342.
Type A2 brachydactyly (BDA2). Also called: BRACHYMESOPHALANGY II; Brachymesophalangy type 2; MOHR-WRIEDT TYPE BRACHYDACTYLY. Identifiers: Orphanet 93396, MedGen C1832702, MONDO:0007216, OMIM 112600, HP:0009372.
Acromesomelic dysplasia 3 (AMD3). Also called: Acromesomelic dysplasia, Demirhan type; CHONDRODYSPLASIA, ACROMESOMELIC, WITH OR WITHOUT GENITAL ANOMALIES. Identifiers: MedGen C4225404, MONDO:0012274, OMIM 609441.

gnomAD v4.1: 37 of 1,614,098 alleles (0.0023%); highest among the groups gnomAD compares: Non-Finnish European, 0.0031%; no homozygotes.

Submissions (2):

Labcorp Genetics (formerly Invitae), Labcorp
Classification: Uncertain significance for Type A2 brachydactyly; Acromesomelic dysplasia 3. Last evaluated: 2023-11-13. Review status: criteria provided, single submitter. Criteria: Invitae Variant Classification Sherloc (09022015). Collection method: clinical testing. Allele origin: germline.
Comment: This sequence change replaces glycine, which is neutral and non-polar, with alanine, which is neutral and non-polar, at codon 467 of the BMPR1B protein (p.Gly467Ala). This variant is present in population databases (no rsID available, gnomAD 0.0009%). This variant has not been reported in the literature in individuals affected with BMPR1B-related conditions. ClinVar contains an entry for this variant (Variation ID: 1897977). Advanced modeling of protein sequence and biophysical properties (such as structural, functional, and spatial information, amino acid conservation, physicochemical variation, residue mobility, and thermodynamic stability) performed at Invitae indicates that this missense variant is not expected to disrupt BMPR1B protein function with a negative predictive value of 80%. In summary, the available evidence is currently insufficient to determine the role of this variant in disease. Therefore, it has been classified as a Variant of Uncertain Significance.

Ambry Genetics
Classification: Uncertain significance for Inborn genetic diseases. Last evaluated: 2022-06-24. Review status: criteria provided, single submitter. Criteria: Ambry Variant Classification Scheme 2023. Collection method: clinical testing. Allele origin: germline.

NM_001203.3(BMPR1B):c.1400G>C (p.Gly467Ala)

Gene: BMPR1B (bone morphogenetic protein receptor type 1B; plus strand). Cytogenetic location: 4q22.3.
Variant type: single nucleotide variant.
Coding change: c.1400G>C on transcript NM_001203.3 (MANE Select); coding-DNA position 1400, G replaced by C.
Protein change: p.Gly467Ala; replaces glycine 467 with alanine.
Molecular consequence: missense variant.
Genome position (GRCh38, 1-based): chr4:95,154,564, G>C. VCF-style: chr4-95154564-G-C. GRCh37 (hg19) VCF-style: chr4-96075715-G-C.
Other names: c.1400G>C, p.Gly467Ala (NM_001256792.2, NM_001256794.1); c.1490G>C, p.Gly497Ala (NM_001256793.2); short protein forms G467A, G497A.
Identifiers: ClinVar variation 1897977 (VCV001897977.6), dbSNP rs1305848208, ClinGen allele CA357687952.